The following is an entry in ClinVar:

NM_201384.3(PLEC):c.12494A>T (p.His4165Leu)

Gene: PLEC (plectin; minus strand). Cytogenetic location: 8q24.3.
Variant type: single nucleotide variant.
Coding change: c.12494A>T on transcript NM_201384.3 (MANE Select); coding-DNA position 12494, A replaced by T.
Protein change: p.His4165Leu; replaces histidine 4165 with leucine.
Molecular consequence: missense variant.
Genome position (GRCh38, 1-based): chr8:143,917,327, T>A on the plus strand (A>T on the coding strand, the complement: PLEC is on the minus strand). VCF-style: chr8-143917327-T-A. GRCh37 (hg19) VCF-style: chr8-144991495-T-A.
Other names: c.12575A>T, p.His4192Leu (NM_000445.5); c.12452A>T, p.His4151Leu (NM_201378.4); c.12428A>T, p.His4143Leu (NM_201379.3); c.12905A>T, p.His4302Leu (NM_201380.4); c.12398A>T, p.His4133Leu (NM_201381.3); c.12494A>T, p.His4165Leu (NM_201382.4); c.12506A>T, p.His4169Leu (NM_201383.3); short protein forms H4133L, H4143L, H4151L, H4192L, H4302L, H4165L, H4169L.
Identifiers: ClinVar variation 471532 (VCV000471532.9), dbSNP rs782308478, ClinGen allele CA372481350.

ClinVar aggregate classification (germline): Uncertain significance (1 of 4 stars; one submission).

Conditions:
Epidermolysis bullosa simplex with nail dystrophy (EBS5D). Identifiers: MedGen C4225309, MONDO:0014661, OMIM 616487.
Epidermolysis bullosa simplex, Ogna type (EBS5A). Also called: Pidermolysis bullosa simplex 5A, Ogna type; EPIDERMOLYSIS BULLOSA SIMPLEX 5A, OGNA TYPE. Identifiers: Orphanet 79401, MedGen C0432317, MONDO:0007555, OMIM 131950.
Autosomal recessive limb-girdle muscular dystrophy type 2Q (LGMDR17). Also called: MUSCULAR DYSTROPHY, LIMB-GIRDLE, AUTOSOMAL RECESSIVE 17. Identifiers: Orphanet 254361, MedGen C3150989, MONDO:0013390, OMIM 613723.
Epidermolysis bullosa simplex 5C, with pyloric atresia (EBS5C). Also called: PLEC-Related Epidermolysis Bullosa with Pyloric Atresia; Epidermolysis bullosa simplex with pyloric atresia; PLEC1-Related Epidermolysis Bullosa with Pyloric Atresia. Identifiers: Orphanet 158684, MedGen C2677349, MONDO:0012807, OMIM 612138.
Epidermolysis bullosa simplex 5B, with muscular dystrophy (EBS5B). Also called: EPIDERMOLYSIS BULLOSA SIMPLEX AND LIMB-GIRDLE MUSCULAR DYSTROPHY; Epidermolysis bullosa simplex with muscular dystrophy. Identifiers: Orphanet 257, MedGen C2931072, MONDO:0009181, OMIM 226670.

Submission:

Labcorp Genetics (formerly Invitae), Labcorp
Classification: Uncertain significance for Autosomal recessive limb-girdle muscular dystrophy type 2Q; Epidermolysis bullosa simplex, Ogna type; Epidermolysis bullosa simplex with nail dystrophy; Epidermolysis bullosa simplex 5C, with pyloric atresia; Epidermolysis bullosa simplex 5B, with muscular dystrophy. Last evaluated: 2017-06-28. Review status: criteria provided, single submitter. Criteria: Invitae Variant Classification Sherloc (09022015). Collection method: clinical testing. Allele origin: germline.
Comment: This sequence change replaces histidine with leucine at codon 4192 of the PLEC protein (p.His4192Leu). The histidine residue is highly conserved and there is a moderate physicochemical difference between histidine and leucine. This variant is not present in population databases (ExAC no frequency). This variant has not been reported in the literature in individuals with PLEC-related disease. Algorithms developed to predict the effect of missense changes on protein structure and function do not agree on the potential impact of this missense change (SIFT: "Deleterious"; PolyPhen-2: "Benign"; Align-GVGD: "Class C35"). In summary, the available evidence is currently insufficient to determine the role of this variant in disease. Therefore, it has been classified as a Variant of Uncertain Significance.